The following is an entry in ClinVar:

ClinVar aggregate classification (germline): Uncertain significance (1 of 4 stars; one submission).

Allele frequency attached by ClinVar (database versions not stated): gnomAD exomes 0.00002; gnomAD 0.00003 and 0.00004; TOPMed 0.00003; ExAC 0.00007; ESP Exome Variant Server 0.00008.
gnomAD v4.1: 41 of 1,593,038 alleles (0.0026%); highest among the groups gnomAD compares: Middle Eastern, 0.017%; no homozygotes.

Submission:

Labcorp Genetics (formerly Invitae), Labcorp
Classification: Uncertain significance. Last evaluated: 2025-01-18. Review status: criteria provided, single submitter. Criteria: Invitae Variant Classification Sherloc (09022015). Collection method: clinical testing. Allele origin: germline.
Comment: This sequence change replaces valine, which is neutral and non-polar, with isoleucine, which is neutral and non-polar, at codon 131 of the PDE6B protein (p.Val131Ile). The frequency data for this variant in the population databases is considered unreliable, as metrics indicate poor data quality at this position in the gnomAD database. This variant has not been reported in the literature in individuals affected with PDE6B-related conditions. ClinVar contains an entry for this variant (Variation ID: 1045289). Invitae Evidence Modeling of protein sequence and biophysical properties (such as structural, functional, and spatial information, amino acid conservation, physicochemical variation, residue mobility, and thermodynamic stability) has been performed for this missense variant. However, the output from this modeling did not meet the statistical confidence thresholds required to predict the impact of this variant on PDE6B protein function. In summary, the available evidence is currently insufficient to determine the role of this variant in disease. Therefore, it has been classified as a Variant of Uncertain Significance.

NM_000283.4(PDE6B):c.391G>A (p.Val131Ile)

Gene: PDE6B (phosphodiesterase 6B; plus strand). Cytogenetic location: 4p16.3.
Variant type: single nucleotide variant.
Coding change: c.391G>A on transcript NM_000283.4 (MANE Select); coding-DNA position 391, G replaced by A.
Protein change: p.Val131Ile; replaces valine 131 with isoleucine.
Molecular consequence: missense variant.
Genome position (GRCh38, 1-based): chr4:626,017, G>A. VCF-style: chr4-626017-G-A. GRCh37 (hg19) VCF-style: chr4-619806-G-A.
Other names: c.391G>A, p.Val131Ile (NM_001145291.2); short protein forms V131I.
Identifiers: ClinVar variation 1045289 (VCV001045289.6), dbSNP rs145863444, ClinGen allele CA2793930.
Genomic context (GRCh38, chr4:626,017, plus strand): 5'-TTCAGCGTGCAGCCGGACAGCGTCCTGGAGGACTGCCTGGTGCCCCCCGACTCCGAGATC[G>A]TCTTCCCACTGGACATCGGGGTCGTGGGCCACGTGGCTCAGACCAAAAAGATGGTGAACG-3'
Protein context (NP_000274.3, residues 121-141): DCLVPPDSEI[Val131Ile]FPLDIGVVGH